The following is an entry in ClinVar:

ClinVar aggregate classification (germline): Likely benign (0 of 4 stars; one submission).

Conditions:
SCO1-related disorder. Also called: SCO1-related disorders; SCO1-related condition.

Submission:

PreventionGenetics, part of Exact Sciences
Classification: Likely benign for SCO1-related condition. Last evaluated: 2020-04-01. Review status: no assertion criteria provided. Collection method: clinical testing. Allele origin: germline.
Comment: This variant is classified as likely benign based on ACMG/AMP sequence variant interpretation guidelines (Richards et al. 2015 PMID: 25741868, with internal and published modifications).

NM_004589.4(SCO1):c.390C>T (p.His130=)

Gene: SCO1 (synthesis of cytochrome C oxidase 1; minus strand). Cytogenetic location: 17p13.1.
Variant type: single nucleotide variant.
Coding change: c.390C>T on transcript NM_004589.4 (MANE Select); coding-DNA position 390, C replaced by T.
Protein change: p.His130=; no amino-acid change (histidine 130 retained).
Molecular consequence: synonymous variant.
Genome position (GRCh38, 1-based): chr17:10,692,936, G>A on the plus strand (C>T on the coding strand, the complement: SCO1 is on the minus strand). VCF-style: chr17-10692936-G-A. GRCh37 (hg19) VCF-style: chr17-10596253-G-A.
Identifiers: ClinVar variation 3055164 (VCV003055164.2), dbSNP rs1205857807, ClinGen allele CA497869137.